The following is an entry in ClinVar:

ClinVar aggregate classification (germline): Benign. Review status: criteria provided, multiple submitters, no conflicts (2 of 4 stars). 7 submissions from 7 submitters: Benign (7). Last evaluated 2026-02-02.

Conditions:
Charcot-Marie-Tooth disease type 4. Also called: Charcot-Marie-Tooth, Type 4; Charcot-Marie-Tooth disease, type IV. Identifiers: Orphanet 64749, MedGen C4082197, MONDO:0018995.
Charcot-Marie-Tooth disease. Also called: Charcot-Marie-Tooth Neuropathy; Charcot-Marie-Tooth Hereditary Neuropathy. Identifiers: Orphanet 166, MedGen C0007959, MONDO:0015626.
Charcot-Marie-Tooth disease type 4F. Also called: Charcot-Marie-Tooth disease, demyelinating, type 4F. Identifiers: Orphanet 99952, MedGen C3540453, MONDO:0013959, OMIM 614895.

Allele frequency attached by ClinVar (database versions not stated): gnomAD exomes 0.00280 and 0.00779; ExAC 0.00969; gnomAD 0.03192 and 0.03414; 1000 Genomes Project 0.03215; TOPMed 0.03359; 1000 Genomes Project 30x 0.03420; ESP Exome Variant Server 0.03706.
gnomAD v4.1: 8,909 of 1,605,988 alleles (0.55%); highest among the groups gnomAD compares: African/African-American, 11%; 449 homozygotes.

Submissions (7):

Labcorp Genetics (formerly Invitae), Labcorp
Classification: Benign for Charcot-Marie-Tooth disease type 4. Last evaluated: 2026-02-02. Review status: criteria provided, single submitter. Criteria: Invitae Variant Classification Sherloc (09022015). Collection method: clinical testing. Allele origin: germline.

Athena Diagnostics
Classification: Benign. Last evaluated: 2025-06-30. Review status: criteria provided, single submitter. Criteria: Athena Diagnostics Criteria. Collection method: clinical testing. Allele origin: unknown.
Comment: The frequency of this variant in the general population is higher than would generally be expected for pathogenic variants in this gene.

Illumina Laboratory Services, Illumina
Classification: Benign for Charcot-Marie-Tooth disease type 4F. Last evaluated: 2018-01-13. Review status: criteria provided, single submitter. Criteria: ICSL Variant Classification Criteria 13 December 2019. Collection method: clinical testing. Allele origin: germline.
Comment: This variant was observed in the ICSL laboratory as part of a predisposition screen in an ostensibly healthy population. It had not been previously curated by ICSL or reported in the Human Gene Mutation Database (HGMD: prior to June 1st, 2018), and was therefore a candidate for classification through an automated scoring system. Utilizing variant allele frequency, disease prevalence and penetrance estimates, and inheritance mode, an automated score was calculated to assess if this variant is too frequent to cause the disease. Based on the score and internal cut-off values, a variant classified as benign is not then subjected to further curation. The score for this variant resulted in a classification of benign for this disease.

Mayo Clinic Laboratories, Mayo Clinic
Classification: Benign. Last evaluated: 2016-09-21. Review status: criteria provided, single submitter. Criteria: ACMG Guidelines, 2015. Collection method: clinical testing. Allele origin: germline. Observed: 26 variant alleles.

GeneDx
Classification: Benign. Last evaluated: 2015-03-03. Review status: criteria provided, single submitter. Criteria: GeneDx Variant Classification Process June 2021. Collection method: clinical testing. Allele origin: germline. Affected: yes.

Breakthrough Genomics
Classification: Benign. Review status: criteria provided, single submitter. Criteria: ACMG Guidelines, 2015. Collection method: not provided. Allele origin: germline. Inheritance: Autosomal recessive inheritance. Affected: yes.

Molecular Genetics Laboratory, London Health Sciences Centre
Classification: Benign for Charcot-Marie-Tooth disease. Review status: criteria provided, single submitter. Criteria: ACMG Guidelines, 2015. Collection method: clinical testing. Allele origin: germline. Affected: yes.

NM_181882.3(PRX):c.2017A>G (p.Met673Val)

Gene: PRX (periaxin; minus strand). Cytogenetic location: 19q13.2.
Variant type: single nucleotide variant.
Coding change: c.2017A>G on transcript NM_181882.3 (MANE Select); coding-DNA position 2017, A replaced by G.
Protein change: p.Met673Val; replaces methionine 673 with valine.
Molecular consequence: missense variant. On other transcripts: 3 prime UTR variant (1).
Genome position (GRCh38, 1-based): chr19:40,396,335, T>C on the plus strand (A>G on the coding strand, the complement: PRX is on the minus strand). VCF-style: chr19-40396335-T-C. GRCh37 (hg19) VCF-style: chr19-40902242-T-C.
Other names: p.Met673Val; c.*2222A>G (NM_020956.2); short protein forms M673V.
Identifiers: ClinVar variation 329270 (VCV000329270.21), dbSNP rs61735531, ClinGen allele CA9444139.
Genomic context (GRCh38, chr19:40,396,335, plus strand): 5'-GTTTCATCTCTGAGACTTTTGGCAGCTGCACCTCGGGGAGTCGAACCTCTGGCACAGCCA[T>C]CTCAGGCATTTTAGGGAGTTTCATCTCTGGGACTTTCGGGAGCTGCACTTCCGGGAGGTG-3'
Protein context (NP_870998.2, residues 663-683): PEMKLPKMPE[Met673Val]AVPEVRLPEV